The following is an entry in ClinVar:

NM_006206.6(PDGFRA):c.1653+5A>G

Gene: PDGFRA (platelet derived growth factor receptor alpha; plus strand). Cytogenetic location: 4q12.
Variant type: single nucleotide variant.
Coding change: c.1653+5A>G on transcript NM_006206.6 (MANE Select); 5 bases into the intron after coding-DNA position 1653, A replaced by G.
Molecular consequence: intron variant.
Genome position (GRCh38, 1-based): chr4:54,274,630, A>G. VCF-style: chr4-54274630-A-G. GRCh37 (hg19) VCF-style: chr4-55140797-A-G.
Other names: c.1728+5A>G (NM_001347828.2); c.1653+5A>G (NM_001347827.2, NM_001347829.2); c.1692+5A>G (NM_001347830.2).
Identifiers: ClinVar variation 661036 (VCV000661036.10), dbSNP rs764012027, ClinGen allele CA2922636.

ClinVar aggregate classification (germline): Uncertain significance. Review status: criteria provided, multiple submitters, no conflicts (2 of 4 stars). 2 submissions from 2 submitters: Uncertain significance (2). Last evaluated 2026-08-06.

Conditions:
Hereditary cancer-predisposing syndrome. Also called: Neoplastic Syndromes, Hereditary; Hereditary Cancer Syndrome; Hereditary neoplastic syndrome; Tumor predisposition. Identifiers: Orphanet 140162, MedGen C0027672, MeSH D009386, MONDO:0015356.
Gastrointestinal stromal tumor. Also called: Gastrointestinal stromal tumor, somatic; Gastrointestinal stroma tumor. Identifiers: Orphanet 44890, MedGen C0238198, MeSH D046152, MONDO:0011719, OMIM 606764, HP:0100723.

Allele frequency attached by ClinVar (database versions not stated): gnomAD exomes below 0.00001 and 0.00001; ExAC 0.00001.
gnomAD v4.1: 8 of 1,599,602 alleles (0.0005%); highest among the groups gnomAD compares: East Asian, 0.0045%; no homozygotes.

Submissions (2):

Ambry Genetics
Classification: Uncertain significance for Hereditary cancer-predisposing syndrome. Last evaluated: 2026-08-06. Review status: criteria provided, single submitter. Criteria: Ambry Variant Classification Scheme 2023. Collection method: clinical testing. Allele origin: germline.
Comment: The c.1653+5A>G intronic variant results from an A to G substitution 5 nucleotides after coding exon 10 in the PDGFRA gene. This nucleotide position is not well conserved in available vertebrate species. In silico splice site analysis predicts that this alteration will not have any significant effect on splicing. Based on the available evidence, the clinical significance of this variant remains unclear.

Labcorp Genetics (formerly Invitae), Labcorp
Classification: Uncertain significance for Gastrointestinal stromal tumor. Last evaluated: 2024-08-27. Review status: criteria provided, single submitter. Criteria: Invitae Variant Classification Sherloc (09022015). Collection method: clinical testing. Allele origin: germline.
Comment: This sequence change falls in intron 11 of the PDGFRA gene. It does not directly change the encoded amino acid sequence of the PDGFRA protein. It affects a nucleotide within the consensus splice site. This variant is present in population databases (rs764012027, gnomAD 0.003%). This variant has not been reported in the literature in individuals affected with PDGFRA-related conditions. ClinVar contains an entry for this variant (Variation ID: 661036). Variants that disrupt the consensus splice site are a relatively common cause of aberrant splicing (PMID: 17576681, 9536098). Algorithms developed to predict the effect of sequence changes on RNA splicing suggest that this variant is not likely to affect RNA splicing. In summary, the available evidence is currently insufficient to determine the role of this variant in disease. Therefore, it has been classified as a Variant of Uncertain Significance.

Literature cited by the submitters: PubMed 17576681 (cited by Labcorp Genetics (formerly Invitae), Labcorp); PubMed 9536098 (cited by Labcorp Genetics (formerly Invitae), Labcorp).